The following is an entry in ClinVar:

ClinVar aggregate classification (germline): Uncertain significance (1 of 4 stars; one submission).

Allele frequency attached by ClinVar (database versions not stated): ExAC 0.00001; TOPMed 0.00001.
gnomAD v4.1: 10 of 1,612,776 alleles (0.00062%); highest among the groups gnomAD compares: East Asian, 0.0045%; no homozygotes.

Submission:

Labcorp Genetics (formerly Invitae), Labcorp
Classification: Uncertain significance. Last evaluated: 2022-06-23. Review status: criteria provided, single submitter. Criteria: Invitae Variant Classification Sherloc (09022015). Collection method: clinical testing. Allele origin: germline.
Comment: This sequence change replaces arginine, which is basic and polar, with glutamine, which is neutral and polar, at codon 632 of the HPS6 protein (p.Arg632Gln). This variant is present in population databases (rs774506838, gnomAD 0.0009%). This variant has not been reported in the literature in individuals affected with HPS6-related conditions. Algorithms developed to predict the effect of missense changes on protein structure and function (SIFT, PolyPhen-2, Align-GVGD) all suggest that this variant is likely to be disruptive. In summary, the available evidence is currently insufficient to determine the role of this variant in disease. Therefore, it has been classified as a Variant of Uncertain Significance.

NM_024747.6(HPS6):c.1895G>A (p.Arg632Gln)

Gene: HPS6 (HPS6 biogenesis of lysosomal organelles complex 2 subunit 3; plus strand). Cytogenetic location: 10q24.32.
Variant type: single nucleotide variant.
Coding change: c.1895G>A on transcript NM_024747.6 (MANE Select); coding-DNA position 1895, G replaced by A.
Protein change: p.Arg632Gln; replaces arginine 632 with glutamine.
Molecular consequence: missense variant.
Genome position (GRCh38, 1-based): chr10:102,067,369, G>A. VCF-style: chr10-102067369-G-A. GRCh37 (hg19) VCF-style: chr10-103827126-G-A.
Other names: short protein forms R632Q.
Identifiers: ClinVar variation 1951369 (VCV001951369.2), dbSNP rs774506838, ClinGen allele CA5660060.